The following is an entry in ClinVar:

ClinVar aggregate classification (germline): Pathogenic (1 of 4 stars; one submission).

Submission:

Labcorp Genetics (formerly Invitae), Labcorp
Classification: Pathogenic. Last evaluated: 2022-05-20. Review status: criteria provided, single submitter. Criteria: Invitae Variant Classification Sherloc (09022015). Collection method: clinical testing. Allele origin: germline.
Comment: For these reasons, this variant has been classified as Pathogenic. This variant has not been reported in the literature in individuals affected with OPA1-related conditions. This variant is not present in population databases (gnomAD no frequency). This sequence change creates a premature translational stop signal (p.Ile78Leufs*16) in the OPA1 gene. It is expected to result in an absent or disrupted protein product. Loss-of-function variants in OPA1 are known to be pathogenic (PMID: 11440988, 20157015, 20952381, 25012220).

Literature cited by the submitters: PubMed 11440988; PubMed 20157015; PubMed 20952381; PubMed 25012220.

NM_130837.3(OPA1):c.232del (p.Ile78fs)

Gene: OPA1 (OPA1 mitochondrial dynamin like GTPase; plus strand). Cytogenetic location: 3q29.
Variant type: Deletion.
Coding change: c.232del on transcript NM_130837.3 (MANE Select); coding-DNA position 232, one base deleted (A; older notation c.232delA).
Protein change: p.Ile78fs; shifts the reading frame from isoleucine 78.
Molecular consequence: frameshift variant. On other transcripts: 5 prime UTR variant (2).
Genome position (GRCh38, 1-based): chr3:193,614,922, A deleted; the last of 2 consecutive A bases (chr3:193,614,921-193,614,922); deleting either gives the same sequence. VCF-style (leftmost placement, unchanged base first): chr3-193614920-CA-C. GRCh37 (hg19) VCF-style: chr3-193332709-CA-C.
Other names: c.-141del (NM_001354663.2, NM_001354664.2); c.232del, p.Ile78fs (NM_015560.3, NM_130831.3, NM_130832.3 and 4 more transcripts); short protein forms I78fs.
Identifiers: ClinVar variation 1996922 (VCV001996922.4), dbSNP rs2474576878, ClinGen allele CA2580070556.